The following is an entry in ClinVar:

ClinVar aggregate classification (germline): Uncertain significance (1 of 4 stars; one submission).

Conditions:
Inborn genetic diseases. Identifiers: MedGen C0950123, MeSH D030342.

Submission:

Ambry Genetics
Classification: Uncertain significance for Inborn genetic diseases. Last evaluated: 2026-08-31. Review status: criteria provided, single submitter. Criteria: Ambry Variant Classification Scheme 2023. Collection method: clinical testing. Allele origin: germline.
Comment: The p.Q839P variant (also known as c.2516A>C), located in coding exon 1 of the SAMD9 gene, results from an A to C substitution at nucleotide position 2516. The glutamine at codon 839 is replaced by proline, an amino acid with similar properties. This amino acid position is conserved. In addition, the in silico prediction for this alteration is inconclusive. Based on the available evidence, the clinical significance of this variant remains unclear.

NM_017654.4(SAMD9):c.2516A>C (p.Gln839Pro)

Gene: SAMD9 (sterile alpha motif domain containing 9; minus strand). Cytogenetic location: 7q21.2.
Variant type: single nucleotide variant.
Coding change: c.2516A>C on transcript NM_017654.4 (MANE Select); coding-DNA position 2516, A replaced by C.
Protein change: p.Gln839Pro; replaces glutamine 839 with proline.
Molecular consequence: missense variant.
Genome position (GRCh38, 1-based): chr7:93,103,582, T>G on the plus strand (A>C on the coding strand, the complement: SAMD9 is on the minus strand). VCF-style: chr7-93103582-T-G. GRCh37 (hg19) VCF-style: chr7-92732895-T-G.
Other names: c.2516A>C, p.Gln839Pro (NM_001193307.2); short protein forms Q839P.
Identifiers: ClinVar variation 5028811 (VCV005028811.1).